The following is an entry in ClinVar:

ClinVar aggregate classification (germline): Benign. Review status: criteria provided, multiple submitters, no conflicts (2 of 4 stars). 4 submissions from 4 submitters: Benign (3). 1 of the submissions does not count toward it. Last evaluated 2025-12-08.

Conditions:
TMEM132E-related disorder. Also called: TMEM132E-related condition.

Allele frequency attached by ClinVar (database versions not stated): gnomAD exomes 0.00061 and 0.00161; ExAC 0.00271; gnomAD 0.00613 and 0.00658; ESP Exome Variant Server 0.00623; TOPMed 0.00676; 1000 Genomes Project 0.00699; 1000 Genomes Project 30x 0.00781.
gnomAD v4.1: 1,837 of 1,573,248 alleles (0.12%); highest among the groups gnomAD compares: African/African-American, 2.2%; 23 homozygotes.

Submissions (4):

Labcorp Genetics (formerly Invitae), Labcorp
Classification: Benign. Last evaluated: 2025-12-08. Review status: criteria provided, single submitter. Criteria: Invitae Variant Classification Sherloc (09022015). Collection method: clinical testing. Allele origin: germline.

Athena Diagnostics
Classification: Benign. Last evaluated: 2018-11-12. Review status: criteria provided, single submitter. Criteria: Athena Diagnostics Criteria. Collection method: clinical testing. Allele origin: germline.

Breakthrough Genomics
Classification: Benign. Review status: criteria provided, single submitter. Criteria: ACMG Guidelines, 2015. Collection method: not provided. Allele origin: germline. Inheritance: Autosomal recessive inheritance. Affected: yes.

PreventionGenetics, part of Exact Sciences
Classification: Benign for TMEM132E-related condition. Last evaluated: 2019-08-07. Review status: no assertion criteria provided. Collection method: clinical testing. Allele origin: germline. Not counted in ClinVar's aggregate classification.
Comment: This variant is classified as benign based on ACMG/AMP sequence variant interpretation guidelines (Richards et al. 2015 PMID: 25741868, with internal and published modifications).

NM_001304438.2(TMEM132E):c.2025G>A (p.Thr675=)

Gene: TMEM132E (transmembrane protein 132E; plus strand). Cytogenetic location: 17q12.
Variant type: single nucleotide variant.
Coding change: c.2025G>A on transcript NM_001304438.2 (MANE Select); coding-DNA position 2025, G replaced by A.
Protein change: p.Thr675=; no amino-acid change (threonine 675 retained).
Molecular consequence: synonymous variant.
Genome position (GRCh38, 1-based): chr17:34,636,054, G>A. VCF-style: chr17-34636054-G-A. GRCh37 (hg19) VCF-style: chr17-32963073-G-A.
Identifiers: ClinVar variation 805610 (VCV000805610.12), dbSNP rs140154597, ClinGen allele CA8496877.